The following is an entry in ClinVar:

NM_014314.4(RIGI):c.-8A>C

Genes: RIGI (RNA sensor RIG-I; minus strand), LOC130001628 (ATAC-STARR-seq lymphoblastoid active region 28262; plus strand). Cytogenetic location: 9p21.1.
Variant type: single nucleotide variant.
Coding change: c.-8A>C on transcript NM_014314.4 (MANE Select); 8 bases upstream of the start codon, A replaced by C.
Molecular consequence: 5 prime UTR variant.
Genome position (GRCh38, 1-based): chr9:32,526,174, T>G on the plus strand (A>C on the coding strand, the complement: RIGI is on the minus strand). VCF-style: chr9-32526174-T-G. GRCh37 (hg19) VCF-style: chr9-32526172-T-G.
Other names: c.-8A>C (NM_001385907.1, NM_001385909.1, NM_001385913.1); c.-462A>C (NM_001385910.1, NM_001385914.1); c.-469A>C (NM_001385912.1).
Identifiers: ClinVar variation 4683388 (VCV004683388.2).
Genomic context (GRCh38, chr9:32,526,174, plus strand): 5'-TTCCGGATATAATCCTGGAAGGCTTGCAGGCTGCGTCGCTGCTCGGTGGTCATGCCGGCC[T>G]CTGCTTGCAGCTAGCTACGTTCCCCGCAGGCTGTGCCTCACTAGCTTTAAAGCCGGGTAG-3'

ClinVar aggregate classification (germline): Benign/Likely benign. Review status: criteria provided, multiple submitters, no conflicts (2 of 4 stars). 2 submissions from 2 submitters: Benign (1); Likely benign (1). Last evaluated 2024-11-27.

gnomAD v4.1: 17,169 of 1,609,716 alleles (1.1%); highest among the groups gnomAD compares: Non-Finnish European, 1.3%; 139 homozygotes.

Submissions (2):

Blueprint Genetics
Classification: Likely benign. Last evaluated: 2024-11-27. Review status: criteria provided, single submitter. Criteria: ACMG Guidelines, 2015. Collection method: clinical testing. Allele origin: germline.

Mayo Clinic Laboratories, Mayo Clinic
Classification: Benign. Last evaluated: 2023-09-14. Review status: criteria provided, single submitter. Criteria: ACMG Guidelines, 2015. Collection method: clinical testing. Allele origin: germline. Observed: 13 variant alleles.
Comment: BS1, BS2, BP4, BP7